The following is an entry in ClinVar:

ClinVar aggregate classification (germline): Conflicting classifications of pathogenicity. Review status: criteria provided, conflicting classifications (1 of 4 stars). 2 submissions from 2 submitters: Uncertain significance (1); Likely benign (1). Last evaluated 2026-01-22.

Conditions:
Immunodeficiency 14 (IMD14A). Also called: p110-DELTA-ACTIVATING MUTATION CAUSING SENESCENT T CELLS, LYMPHADENOPATHY, AND IMMUNODEFICIENCY; IMMUNODEFICIENCY 14A WITH LYMPHOPROLIFERATION, AUTOSOMAL DOMINANT; ACTIVATED PI3K-DELTA SYNDROME 1; Activated PI3K Delta Syndrome Type 1 (APDS1). Identifiers: Orphanet 397596, Orphanet 693661, MedGen C5907821, MONDO:0014222, OMIM 615513.

Allele frequency attached by ClinVar (database versions not stated): gnomAD exomes 0.00003 and 0.00002; gnomAD 0.00004; TOPMed 0.00005; ExAC 0.00004.
gnomAD v4.1: 43 of 1,613,388 alleles (0.0027%); highest among the groups gnomAD compares: Middle Eastern, 0.033%; 1 homozygote.

Submissions (2):

Labcorp Genetics (formerly Invitae), Labcorp
Classification: Uncertain significance for Activated PI3K-delta syndrome. Last evaluated: 2026-01-22. Review status: criteria provided, single submitter. Criteria: Invitae Variant Classification Sherloc (09022015). Collection method: clinical testing. Allele origin: germline.
Comment: This sequence change falls in intron 10 of the PIK3CD gene. It does not directly change the encoded amino acid sequence of the PIK3CD protein. It affects a nucleotide within the consensus splice site. This variant is present in population databases (rs763675477, gnomAD 0.009%). This variant has not been reported in the literature in individuals affected with PIK3CD-related conditions. ClinVar contains an entry for this variant (Variation ID: 645804). Variants that disrupt the consensus splice site are a relatively common cause of aberrant splicing (PMID: 17576681, 9536098). Algorithms developed to predict the effect of sequence changes on RNA splicing suggest that this variant is not likely to affect RNA splicing. In summary, the available evidence is currently insufficient to determine the role of this variant in disease. Therefore, it has been classified as a Variant of Uncertain Significance.

Blueprint Genetics
Classification: Likely benign. Last evaluated: 2024-04-10. Review status: criteria provided, single submitter. Criteria: ACMG Guidelines, 2015. Collection method: clinical testing. Allele origin: germline.

Literature cited by the submitters: PubMed 17576681 (cited by Labcorp Genetics (formerly Invitae), Labcorp); PubMed 9536098 (cited by Labcorp Genetics (formerly Invitae), Labcorp).

NM_005026.5(PIK3CD):c.1339+3C>T

Genes: PIK3CD (phosphatidylinositol-4,5-bisphosphate 3-kinase catalytic subunit delta; plus strand), LOC126805612 (MED14-independent group 3 enhancer GRCh37_chr1:9778914-9780113; plus strand). Cytogenetic location: 1p36.22.
Variant type: single nucleotide variant.
Coding change: c.1339+3C>T on transcript NM_005026.5 (MANE Select); 3 bases into the intron after coding-DNA position 1339, C replaced by T.
Molecular consequence: intron variant.
Genome position (GRCh38, 1-based): chr1:9,720,020, C>T. VCF-style: chr1-9720020-C-T. GRCh37 (hg19) VCF-style: chr1-9780078-C-T.
Other names: c.1339+3C>T (LRG_191t1, NM_001350234.2); c.1252+3C>T (NM_001350235.1).
Identifiers: ClinVar variation 645804 (VCV000645804.8), dbSNP rs763675477, ClinGen allele CA577153.